The following is an entry in ClinVar:

ClinVar aggregate classification (germline): Uncertain significance. Review status: criteria provided, multiple submitters, no conflicts (2 of 4 stars). 3 submissions from 3 submitters: Uncertain significance (3). Last evaluated 2025-04-07.

Conditions:
Familial melanoma. Also called: Hereditary melanoma; Hereditary cutaneous melanoma. Identifiers: Orphanet 618, MedGen C1512419, MONDO:0018961.
Hereditary cancer-predisposing syndrome. Also called: Neoplastic Syndromes, Hereditary; Tumor predisposition; Hereditary Cancer Syndrome; Hereditary neoplastic syndrome. Identifiers: Orphanet 140162, MedGen C0027672, MeSH D009386, MONDO:0015356.

Allele frequency attached by ClinVar (database versions not stated): gnomAD exomes below 0.00001 and 0.00001; ExAC 0.00001; TOPMed 0.00001; gnomAD 0.00003.
gnomAD v4.1: 11 of 1,613,858 alleles (0.00068%); highest among the groups gnomAD compares: African/African-American, 0.0013%; no homozygotes.

Submissions (3):

Labcorp Genetics (formerly Invitae), Labcorp
Classification: Uncertain significance for Familial melanoma. Last evaluated: 2025-04-07. Review status: criteria provided, single submitter. Criteria: Invitae Variant Classification Sherloc (09022015). Collection method: clinical testing. Allele origin: germline.
Comment: This sequence change replaces arginine, which is basic and polar, with glutamine, which is neutral and polar, at codon 181 of the CDK4 protein (p.Arg181Gln). This variant is present in population databases (rs772079285, gnomAD 0.006%). This variant has not been reported in the literature in individuals affected with CDK4-related conditions. ClinVar contains an entry for this variant (Variation ID: 483287). Invitae Evidence Modeling of protein sequence and biophysical properties (such as structural, functional, and spatial information, amino acid conservation, physicochemical variation, residue mobility, and thermodynamic stability) indicates that this missense variant is expected to disrupt CDK4 protein function with a positive predictive value of 95%. In summary, the available evidence is currently insufficient to determine the role of this variant in disease. Therefore, it has been classified as a Variant of Uncertain Significance.

Ambry Genetics
Classification: Uncertain significance for Hereditary cancer-predisposing syndrome. Last evaluated: 2024-06-06. Review status: criteria provided, single submitter. Criteria: Ambry Variant Classification Scheme 2023. Collection method: clinical testing. Allele origin: germline.
Comment: The p.R181Q variant (also known as c.542G>A), located in coding exon 4 of the CDK4 gene, results from a G to A substitution at nucleotide position 542. The arginine at codon 181 is replaced by glutamine, an amino acid with highly similar properties. This amino acid position is highly conserved in available vertebrate species. In addition, this alteration is predicted to be deleterious by in silico analysis. Since supporting evidence is limited at this time, the clinical significance of this alteration remains unclear.

GeneDx
Classification: Uncertain significance. Last evaluated: 2024-01-02. Review status: criteria provided, single submitter. Criteria: GeneDx Variant Classification Process June 2021. Collection method: clinical testing. Allele origin: germline. Affected: yes.
Comment: Not observed at significant frequency in large population cohorts (gnomAD); In silico analysis supports that this missense variant has a deleterious effect on protein structure/function; Has not been previously published as pathogenic or benign to our knowledge

NM_000075.4(CDK4):c.542G>A (p.Arg181Gln)

Gene: CDK4 (cyclin dependent kinase 4; minus strand). Cytogenetic location: 12q14.1.
Variant type: single nucleotide variant.
Coding change: c.542G>A on transcript NM_000075.4 (MANE Select); coding-DNA position 542, G replaced by A.
Protein change: p.Arg181Gln; replaces arginine 181 with glutamine.
Molecular consequence: missense variant.
Genome position (GRCh38, 1-based): chr12:57,750,746, C>T on the plus strand (G>A on the coding strand, the complement: CDK4 is on the minus strand). VCF-style: chr12-57750746-C-T. GRCh37 (hg19) VCF-style: chr12-58144529-C-T.
Other names: c.542G>A (NM_000075.2); short protein forms R181Q.
Identifiers: ClinVar variation 483287 (VCV000483287.15), dbSNP rs772079285, ClinGen allele CA6657781.
Genomic context (GRCh38, chr12:57,750,746, plus strand): 5'-CCAACACTCCACATGTCCACAGGTGTTGCATATGTGGACTGCAGAAGAACTTCGGGAGCT[C>T]GGTACCAGAGTGTAACAACCTAAAGGGAATAGGAAGAATGGATGGGGACCCCATGGGTTA-3'
Protein context (NP_000066.1, residues 171-191): LTPVVVTLWY[Arg181Gln]APEVLLQSTY